The following is an entry in ClinVar:

ClinVar aggregate classification (germline): Uncertain significance (1 of 4 stars; one submission).

Submission:

Labcorp Genetics (formerly Invitae), Labcorp
Classification: Uncertain significance. Last evaluated: 2024-07-12. Review status: criteria provided, single submitter. Criteria: Invitae Variant Classification Sherloc (09022015). Collection method: clinical testing. Allele origin: germline.
Comment: This sequence change replaces glutamic acid, which is acidic and polar, with lysine, which is basic and polar, at codon 420 of the SRP72 protein (p.Glu420Lys). This variant is not present in population databases (gnomAD no frequency). This variant has not been reported in the literature in individuals affected with SRP72-related conditions. Advanced modeling of protein sequence and biophysical properties (such as structural, functional, and spatial information, amino acid conservation, physicochemical variation, residue mobility, and thermodynamic stability) performed at Invitae indicates that this missense variant is not expected to disrupt SRP72 protein function with a negative predictive value of 80%. Algorithms developed to predict the effect of sequence changes on RNA splicing suggest that this variant may disrupt the consensus splice site. In summary, the available evidence is currently insufficient to determine the role of this variant in disease. Therefore, it has been classified as a Variant of Uncertain Significance.

NM_006947.4(SRP72):c.1258G>A (p.Glu420Lys)

Gene: SRP72 (signal recognition particle 72; plus strand). Cytogenetic location: 4q12.
Variant type: single nucleotide variant.
Coding change: c.1258G>A on transcript NM_006947.4 (MANE Select); coding-DNA position 1258, G replaced by A.
Protein change: p.Glu420Lys; replaces glutamic acid 420 with lysine.
Molecular consequence: missense variant. On other transcripts: non-coding transcript variant (1).
Genome position (GRCh38, 1-based): chr4:56,489,421, G>A. VCF-style: chr4-56489421-G-A. GRCh37 (hg19) VCF-style: chr4-57355587-G-A.
Other names: c.1075G>A, p.Glu359Lys (NM_001267722.2); short protein forms E359K, E420K.
Identifiers: ClinVar variation 3653349 (VCV003653349.2).
Genomic context (GRCh38, chr4:56,489,421, plus strand): 5'-CACTAATTTATACCTTTGGCTGTGTAGGTATCTGCATTAGTTACCATGTATAGCCATGAA[G>A]AAGATATTGATAGTGCCATTGAGGTCTTCACACAAGCTATCCAGTGGTATCAAAACCATC-3'
Protein context (NP_008878.3, residues 410-430): SALVTMYSHE[Glu420Lys]DIDSAIEVFT